The following is an entry in ClinVar:

NM_001754.5(RUNX1):c.31C>G (p.Pro11Ala)

Gene: RUNX1 (RUNX family transcription factor 1; minus strand). Cytogenetic location: 21q22.12.
Variant type: single nucleotide variant.
Coding change: c.31C>G on transcript NM_001754.5 (MANE Select); coding-DNA position 31, C replaced by G.
Protein change: p.Pro11Ala; replaces proline 11 with alanine.
Molecular consequence: missense variant.
Genome position (GRCh38, 1-based): chr21:35,048,869, G>C on the plus strand (C>G on the coding strand, the complement: RUNX1 is on the minus strand). VCF-style: chr21-35048869-G-C. GRCh37 (hg19) VCF-style: chr21-36421166-G-C.
Other names: NM_001754.5(RUNX1):c.31C>G; p.Pro11Ala; short protein forms P11A.
Identifiers: ClinVar variation 2198524 (VCV002198524.6), dbSNP rs766610477, ClinGen allele CA410208246.

ClinVar aggregate classification (germline): Uncertain significance. Review status: reviewed by expert panel (3 of 4 stars). 2 submissions from 2 submitters: Uncertain significance (1). 1 of the submissions does not count toward it. Last evaluated 2025-01-15.

Conditions:
Hereditary thrombocytopenia and hematologic cancer predisposition syndrome. Identifiers: Orphanet 71290, MedGen CN281654, MONDO:0011071.
Hereditary thrombocytopenia and hematological cancer predisposition syndrome associated with RUNX1. Also called: Familial Platelet Disorder with Propensity to Acute Myelogenous Leukemia; Familial thrombocytopenia with propensity to acute myelogenous leukemia; PLATELET DISORDER, ASPIRIN-LIKE; RUNX1 Familial Platelet Disorder with Associated Myeloid Malignancies. Identifiers: Orphanet 71290, MedGen C1832388, MeSH C563324, MONDO:0100083, OMIM 601399.

Submissions (2):

ClinGen Myeloid Malignancy Variant Curation Expert Panel
Classification: Uncertain significance for Hereditary thrombocytopenia and hematologic cancer predisposition syndrome. Last evaluated: 2025-01-15. Review status: reviewed by expert panel. Criteria: ClinGen MyeloMalig ACMG Specifications v2. Collection method: curation. Allele origin: germline. Inheritance: Autosomal dominant inheritance.
Comment: NM_001754.5(RUNX1):c.31C>G (p.Pro11Ala) is a missense variant which has a REVEL score < 0.50 (0.452) and a SpliceAI score ≤ 0.20 (0.01) (BP4). This variant is completely absent from all population databases with at least 20x coverage for RUNX1 (PM2_Supporting). In summary, the clinical significance of this variant is uncertain. ACMG/AMP criteria applied, as specified by the Myeloid Malignancy Variant Curation Expert Panel for RUNX1: BP4, PM2_supporting.

Labcorp Genetics (formerly Invitae), Labcorp
Classification: Uncertain significance for Hereditary thrombocytopenia and hematological cancer predisposition syndrome associated with RUNX1. Last evaluated: 2024-10-21. Review status: criteria provided, single submitter. Criteria: Invitae Variant Classification Sherloc (09022015). Collection method: clinical testing. Allele origin: germline. Not counted in ClinVar's aggregate classification.
Comment: This sequence change replaces proline, which is neutral and non-polar, with alanine, which is neutral and non-polar, at codon 11 of the RUNX1 protein (p.Pro11Ala). This variant is not present in population databases (gnomAD no frequency). This variant has not been reported in the literature in individuals affected with RUNX1-related conditions. ClinVar contains an entry for this variant (Variation ID: 2198524). An algorithm developed to predict the effect of missense changes on protein structure and function (PolyPhen-2) suggests that this variant is likely to be disruptive. In summary, the available evidence is currently insufficient to determine the role of this variant in disease. Therefore, it has been classified as a Variant of Uncertain Significance.